The following is an entry in ClinVar:

ClinVar aggregate classification (germline): Pathogenic (1 of 4 stars; one submission).

Conditions:
Hereditary cancer-predisposing syndrome. Also called: Neoplastic Syndromes, Hereditary; Tumor predisposition; Hereditary neoplastic syndrome; Hereditary Cancer Syndrome. Identifiers: Orphanet 140162, MedGen C0027672, MeSH D009386, MONDO:0015356.

Submission:

Ambry Genetics
Classification: Pathogenic for Hereditary cancer-predisposing syndrome. Last evaluated: 2024-03-07. Review status: criteria provided, single submitter. Criteria: Ambry Variant Classification Scheme 2023. Collection method: clinical testing. Allele origin: germline.
Comment: The c.211_242del32 pathogenic mutation, located in coding exon 2 of the SDHAF2 gene, results from a deletion of 32 nucleotides at nucleotide positions 211 to 242, causing a translational frameshift with a predicted alternate stop codon (p.L71Kfs*6). This variant is considered to be rare based on population cohorts in the Genome Aggregation Database (gnomAD). This alteration is expected to result in loss of function by premature protein truncation or nonsense-mediated mRNA decay. As such, this alteration is interpreted as a disease-causing mutation.

NM_017841.4(SDHAF2):c.211_242del (p.Leu71fs)

Gene: SDHAF2 (succinate dehydrogenase complex assembly factor 2; plus strand). Cytogenetic location: 11q12.2.
Variant type: Deletion.
Coding change: c.211_242del on transcript NM_017841.4 (MANE Select); coding-DNA positions 211 to 242, 32 bases deleted.
Protein change: p.Leu71fs; shifts the reading frame from leucine 71.
Molecular consequence: frameshift variant.
Genome position (GRCh38, 1-based): chr11:61,437,799-61,437,830, 32 bases deleted. GRCh37 (hg19): chr11:61,205,271-61,205,302.
Other names: short protein forms L71fs.
Identifiers: ClinVar variation 3227050 (VCV003227050.1), dbSNP rs2540124377, ClinGen allele CA2825002020.